The following is an entry in ClinVar:

NM_177438.3(DICER1):c.5527+3A>G

Gene: DICER1 (dicer 1, ribonuclease III; minus strand). Cytogenetic location: 14q32.13.
Variant type: single nucleotide variant.
Coding change: c.5527+3A>G on transcript NM_177438.3 (MANE Select); 3 bases into the intron after coding-DNA position 5527, A replaced by G.
Molecular consequence: intron variant.
Genome position (GRCh38, 1-based): chr14:95,091,200, T>C on the plus strand (A>G on the coding strand, the complement: DICER1 is on the minus strand). VCF-style: chr14-95091200-T-C. GRCh37 (hg19) VCF-style: chr14-95557537-T-C.
Other names: c.5527+3A>G (NM_001291628.2, NM_030621.4, NM_001271282.3); c.5365-91A>G (NM_001195573.1).
Identifiers: ClinVar variation 825804 (VCV000825804.10), dbSNP rs1595313951, ClinGen allele CA915946397.
Genomic context (GRCh38, chr14:95,091,200, plus strand): 5'-AATATCTCTGAAGTTGTTTTTAATTTTGTGGGTTTTTTTCTTTCTAAAGGGAGCCAACAA[T>C]ACCTATTAGTGGCCGCATCATGGGATAGTACACCTGCCAGACTGTCTCCAGTGACATCCC-3'

ClinVar aggregate classification (germline): Likely pathogenic. Review status: reviewed by expert panel (3 of 4 stars). 3 submissions from 3 submitters: Likely pathogenic (1). 2 of the submissions do not count toward it. Last evaluated 2025-02-25.

Conditions:
Pleuropulmonary blastoma (PPB). Identifiers: Orphanet 64742, MedGen C1266144, MONDO:0011014, OMIM 601200, HP:0100528.
Hereditary cancer-predisposing syndrome. Also called: Neoplastic Syndromes, Hereditary; Hereditary Cancer Syndrome; Hereditary neoplastic syndrome; Tumor predisposition. Identifiers: Orphanet 140162, MedGen C0027672, MeSH D009386, MONDO:0015356.
DICER1-related tumor predisposition. Also called: DICER1-related pleuropulmonary blastoma cancer predisposition syndrome; DICER1 syndrome. Identifiers: Orphanet 284343, MedGen C3839822, MONDO:0100216.

Submissions (3):

ClinGen DICER1 and miRNA-Processing Gene Variant Curation Expert Panel, ClinGen
Classification: Likely pathogenic for DICER1-related tumor predisposition. Last evaluated: 2025-02-25. Review status: reviewed by expert panel. Criteria: ClinGen DICER1 ACMG Specifications DICER1 V1.3.0. Collection method: curation. Allele origin: germline. Inheritance: Autosomal dominant inheritance.
Comment: The NM_177438.2:c.5527+3A>G variant in DICER1 is an intronic variant resulting from a A to G substitution 3 nucleotides downstream from coding exon 25. This variant received a total of 1 phenotype points across 1 proband meeting DICER1 VCEP phenotype specificity scoring criteria of 1-1.5 points (PS4_Supporting; PMID: 37248399). At least one patient with this variant was found to have a somatic second hit in a recognized DICER1 hotspot codon on tumor sequencing, which is highly specific for DICER1 related tumor predisposition (PP4, PMID: 24481001, PMID: 37248399). This variant is absent from gnomAD v4.1.0 (PM2_Supporting). Sequencing of RNA from patients showed an out-of-frame impact on splicing, indicating that this variant impacts protein function (PS3; PMID: 37248399). The splice site predictors MaxEntScan and SpliceAI indicate that the variant impacts splicing, evidence that correlates with impact to DICER1 function (PP3). In summary, this variant meets the criteria to be classified as Likely Pathogenic for DICER1 syndrome based on the ACMG/AMP criteria applied, as specified by the ClinGen DICER1 VCEP: PS4_Supporting, PP4, PM2_Supporting, PP3, PS3. (Bayesian Points: 8; VCEP specifications version 1.3.0; 02/25/2025)

Foulkes Cancer Genetics LDI, Lady Davis Institute for Medical Research
Classification: Likely pathogenic for Pleuropulmonary blastoma. Last evaluated: 2022-11-04. Review status: criteria provided, single submitter. Criteria: ACMG Guidelines, 2015. Collection method: curation. Allele origin: germline. Affected: yes. Observed: 1 variant allele. Not counted in ClinVar's aggregate classification.
Comment: This variant meets the criteria to be classified as Likely Pathogenic for DICER1 syndrome based on the ACMG/AMP criteria and ClinGen DICER1 guidelines: PS3, PS4_Moderate, PM2_Supporting, PP3, PP4.

Ambry Genetics
Classification: Uncertain significance for Hereditary cancer-predisposing syndrome. Last evaluated: 2021-07-15. Review status: criteria provided, single submitter. Criteria: Ambry Variant Classification Scheme 2023. Collection method: clinical testing. Allele origin: germline. Not counted in ClinVar's aggregate classification.
Comment: The c.5527+3A>G intronic variant results from an A to G substitution 3 nucleotides after coding exon 24 in the DICER1 gene. This nucleotide position is well conserved in available vertebrate species. In silico splice site analysis predicts that this alteration will weaken the native splice donor site and may result in the creation or strengthening of a novel splice donor site. Since supporting evidence is limited at this time, the clinical significance of this alteration remains unclear.

Literature cited by the submitters: PubMed 24481001 (cited by Foulkes Cancer Genetics LDI, Lady Davis Institute for Medical Research).